The following is an entry in ClinVar:

ClinVar aggregate classification (germline): Likely benign (1 of 4 stars; one submission).

gnomAD v4.1: 4 of 1,575,400 alleles (0.00025%); highest among the groups gnomAD compares: Non-Finnish European, 0.00034%; no homozygotes.

Submission:

CeGaT Center for Human Genetics Tuebingen
Classification: Likely benign. Last evaluated: 2026-05-01. Review status: criteria provided, single submitter. Criteria: CeGaT Center For Human Genetics Tuebingen Variant Classification Criteria Version 2. Collection method: clinical testing. Allele origin: germline. Affected: yes. Observed: 1 variant allele.
Comment: GABRA5: BP4, BP7

NM_000810.4(GABRA5):c.1101A>G (p.Glu367=)

Gene: GABRA5 (gamma-aminobutyric acid type A receptor subunit alpha5; plus strand). Cytogenetic location: 15q12.
Variant type: single nucleotide variant.
Coding change: c.1101A>G on transcript NM_000810.4 (MANE Select); coding-DNA position 1101, A replaced by G.
Protein change: p.Glu367=; no amino-acid change (glutamic acid 367 retained).
Molecular consequence: synonymous variant.
Genome position (GRCh38, 1-based): chr15:26,947,945, A>G. VCF-style: chr15-26947945-A-G. GRCh37 (hg19) VCF-style: chr15-27193092-A-G.
Other names: c.1101A>G, p.Glu367= (NM_001165037.2).
Identifiers: ClinVar variation 4873800 (VCV004873800.2).
Genomic context (GRCh38, chr15:26,947,945, plus strand): 5'-ACCATTGCCTGCAAATGGCGTGTCCTTACATTCGTATTATATTTTGCAGAAAAAGCGTGA[A>G]GTCATACTAAATAAGTCAACAAACGCTTTTACAACTGGGAAGATGTCTCACCCCCCAAAC-3'
Protein context (NP_000801.1, residues 357-377): LEAAKIKKKR[Glu367=]VILNKSTNAF